The following is an entry in ClinVar:

ClinVar aggregate classification (germline): Uncertain significance. Review status: criteria provided, multiple submitters, no conflicts (2 of 4 stars). 2 submissions from 2 submitters: Uncertain significance (2). Last evaluated 2022-10-27.

Conditions:
Neurofibromatosis, type 1 (NF1). Also called: VON RECKLINGHAUSEN DISEASE; NEUROFIBROMATOSIS, TYPE I, SOMATIC; Neurofibromatosis, type I; Peripheral type neurofibromatosis. Identifiers: Orphanet 636, MedGen C0027831, MONDO:0018975, OMIM 162200. Disease mechanism: loss of function.
Cardiovascular phenotype. Identifiers: MedGen CN230736.
Hereditary cancer-predisposing syndrome. Also called: Neoplastic Syndromes, Hereditary; Tumor predisposition; Hereditary Cancer Syndrome; Hereditary neoplastic syndrome. Identifiers: Orphanet 140162, MedGen C0027672, MeSH D009386, MONDO:0015356.

Submissions (2):

Ambry Genetics
Classification: Uncertain significance for Cardiovascular phenotype; Hereditary cancer-predisposing syndrome. Last evaluated: 2022-10-27. Review status: criteria provided, single submitter. Criteria: Ambry Variant Classification Scheme 2023. Collection method: clinical testing. Allele origin: germline.
Comment: The p.I1806S variant (also known as c.5417T>G), located in coding exon 37 of the NF1 gene, results from a T to G substitution at nucleotide position 5417. The isoleucine at codon 1806 is replaced by serine, an amino acid with dissimilar properties. This amino acid position is conserved. In addition, this alteration is predicted to be deleterious by in silico analysis. Since supporting evidence is limited at this time, the clinical significance of this alteration remains unclear.

Labcorp Genetics (formerly Invitae), Labcorp
Classification: Uncertain significance for Neurofibromatosis, type 1. Last evaluated: 2022-03-05. Review status: criteria provided, single submitter. Criteria: Invitae Variant Classification Sherloc (09022015). Collection method: clinical testing. Allele origin: germline.
Comment: This sequence change replaces isoleucine, which is neutral and non-polar, with serine, which is neutral and polar, at codon 1806 of the NF1 protein (p.Ile1806Ser). This variant is not present in population databases (gnomAD no frequency). This variant has not been reported in the literature in individuals affected with NF1-related conditions. Advanced modeling of protein sequence and biophysical properties (such as structural, functional, and spatial information, amino acid conservation, physicochemical variation, residue mobility, and thermodynamic stability) performed at Invitae indicates that this missense variant is expected to disrupt NF1 protein function. In summary, the available evidence is currently insufficient to determine the role of this variant in disease. Therefore, it has been classified as a Variant of Uncertain Significance.

NM_001042492.3(NF1):c.5480T>G (p.Ile1827Ser)

Gene: NF1 (neurofibromin 1; plus strand). Cytogenetic location: 17q11.2.
Variant type: single nucleotide variant.
Coding change: c.5480T>G on transcript NM_001042492.3 (MANE Select); coding-DNA position 5480, T replaced by G.
Protein change: p.Ile1827Ser; replaces isoleucine 1827 with serine.
Molecular consequence: missense variant.
Genome position (GRCh38, 1-based): chr17:31,327,710, T>G. VCF-style: chr17-31327710-T-G. GRCh37 (hg19) VCF-style: chr17-29654728-T-G.
Other names: c.5417T>G, p.Ile1806Ser (NM_000267.4); short protein forms I1827S, I1806S.
Identifiers: ClinVar variation 1747398 (VCV001747398.7), dbSNP rs1555533605, ClinGen allele CA399009537.
Genomic context (GRCh38, chr17:31,327,710, plus strand): 5'-GCACGCCGCTCACCTTCATGCACCAGGAGTGTGAAGCCATTGTCCAGTCTATCATTCATA[T>G]CCGGACCCGCTGGGAACTGTCACAGCCCGACTCTATCCCCCAACACACCAAGATTCGGCC-3'
Protein context (NP_001035957.1, residues 1817-1837): CEAIVQSIIH[Ile1827Ser]RTRWELSQPD